The following is an entry in ClinVar:

ClinVar aggregate classification (germline): Likely benign. Review status: criteria provided, multiple submitters, no conflicts (2 of 4 stars). 3 submissions from 3 submitters: Likely benign (3). Last evaluated 2025-09-26.

Conditions:
Ehlers-Danlos syndrome, classic type, 1 (EDSCL1). Also called: EHLERS-DANLOS SYNDROME, GRAVIS TYPE; EHLERS-DANLOS SYNDROME, SEVERE CLASSIC TYPE; EDS I; Ehlers-Danlos syndrome, type 1; Ehlers-Danlos Syndrome, Classic Type, COL5A1-Related. Identifiers: MedGen C0268335, MONDO:0019567, OMIM 130000.

Allele frequency attached by ClinVar (database versions not stated): 1000 Genomes Project 30x 0.00016; 1000 Genomes Project 0.00020.

Submissions (3):

Women's Health and Genetics/Laboratory Corporation of America, LabCorp
Classification: Likely benign. Last evaluated: 2025-09-26. Review status: criteria provided, single submitter. Criteria: LabCorp Variant Classification Summary - May 2015. Collection method: clinical testing. Allele origin: germline.
Comment: Variant summary: COL5A1 c.2844+20G>T alters a non-conserved nucleotide located at a position not widely known to affect splicing. Consensus agreement among computation tools predict no significant impact on normal splicing. However, these predictions have yet to be confirmed by functional studies. The variant allele was found at a frequency of 8e-06 in 251064 control chromosomes. The available data on variant occurrences in the general population are insufficient to allow any conclusion about variant significance. To our knowledge, no occurrence of c.2844+20G>T in individuals affected with COL5A1-related conditions and no experimental evidence demonstrating its impact on protein function have been reported. ClinVar contains an entry for this variant (Variation ID: 2887865). Based on the evidence outlined above, the variant was classified as likely benign.

Labcorp Genetics (formerly Invitae), Labcorp
Classification: Likely benign for Ehlers-Danlos syndrome, classic type, 1. Last evaluated: 2023-03-15. Review status: criteria provided, single submitter. Criteria: Invitae Variant Classification Sherloc (09022015). Collection method: clinical testing. Allele origin: germline.

Blueprint Genetics
Classification: Likely benign. Last evaluated: 2022-09-19. Review status: criteria provided, single submitter. Criteria: ACMG Guidelines, 2015. Collection method: clinical testing. Allele origin: germline.

NM_000093.5(COL5A1):c.2844+20G>T

Gene: COL5A1 (collagen type V alpha 1 chain; plus strand). Cytogenetic location: 9q34.3.
Variant type: single nucleotide variant.
Coding change: c.2844+20G>T on transcript NM_000093.5 (MANE Select); 20 bases into the intron after coding-DNA position 2844, G replaced by T.
Molecular consequence: intron variant.
Genome position (GRCh38, 1-based): chr9:134,796,438, G>T. VCF-style: chr9-134796438-G-T. GRCh37 (hg19) VCF-style: chr9-137688284-G-T.
Other names: c.2844+20G>T (NM_001278074.1).
Identifiers: ClinVar variation 2887865 (VCV002887865.5), dbSNP rs200916696, ClinGen allele CA5319617.
Genomic context (GRCh38, chr9:134,796,438, plus strand): 5'-ACTCCGGAGGTGACGGCCCAGCTGGCCCTCCTGGTGAACGGGTAAGCAGCTGGAGCCTTC[G>T]GGGGTGTCTCCAAGGGCAGAGCCTGCCTCGAATGCCCCCTGCACTTTGTCCTGGGGTGGG-3'